The following is an entry in ClinVar:

NM_012144.4(DNAI1):c.1311+1G>C

Gene: DNAI1 (dynein axonemal intermediate chain 1; plus strand). Cytogenetic location: 9p13.3.
Variant type: single nucleotide variant.
Coding change: c.1311+1G>C on transcript NM_012144.4 (MANE Select); the canonical splice donor site of the intron after coding-DNA position 1311, G replaced by C.
Molecular consequence: splice donor variant.
Genome position (GRCh38, 1-based): chr9:34,506,875, G>C. VCF-style: chr9-34506875-G-C. GRCh37 (hg19) VCF-style: chr9-34506873-G-C.
Other names: c.1323+1G>C (NM_001281428.2).
Identifiers: ClinVar variation 1488007 (VCV001488007.7), dbSNP rs2132077044, ClinGen allele CA373257869.
Genomic context (GRCh38, chr9:34,506,875, plus strand): 5'-TCCCAGCCCTCCTTCTGCAGCTCAGCCAAGTCTGGCAAGCACTCAGACCCTGTGTGGCAG[G>C]TCAGCAACCAGGCTGGGAGGGGTGGGGATGGGAGCAGCATGTGGGCCTGGAGCCACTGGA-3'

ClinVar aggregate classification (germline): Likely pathogenic. Review status: criteria provided, multiple submitters, no conflicts (2 of 4 stars). 2 submissions from 2 submitters: Likely pathogenic (2). Last evaluated 2025-10-10.

Conditions:
Kartagener syndrome (CILD1). Also called: CILIARY DYSKINESIA, PRIMARY, 1; SIEWERT SYNDROME; Dextrocardia bronchiectasis and sinusitis; POLYNESIAN BRONCHIECTASIS; CILIARY DYSKINESIA, PRIMARY, 1, WITH OR WITHOUT SITUS INVERSUS; IMMOTILE CILIA SYNDROME. Identifiers: Orphanet 244, MedGen C4551906, MONDO:0009484, OMIM 244400.
Primary ciliary dyskinesia. Also called: Ciliary dyskinesia. Identifiers: Orphanet 244, MedGen C0008780, MONDO:0016575, HP:0012265.

Allele frequency attached by ClinVar (database versions not stated): gnomAD exomes below 0.00001.
gnomAD v4.1: 1 of 1,613,720 alleles (0.000062%); highest among the groups gnomAD compares: Non-Finnish European, 0.000085%; no homozygotes.

Submissions (2):

Myriad Genetics, Inc.
Classification: Likely pathogenic for Kartagener syndrome. Last evaluated: 2025-10-10. Review status: criteria provided, single submitter. Criteria: Myriad Autosomal Dominant, Autosomal Recessive and X-Linked Classification Criteria (2023). Collection method: clinical testing. Allele origin: unknown.
Comment: NM_012144.2(DNAI1):c.1311+1G>C is a variant in a canonical splice site classified as likely pathogenic in the context of primary ciliary dyskinesia, DNAI1-related. c.1311+1G>C has not been observed in cases with relevant disease. Relevant functional assessments of this variant are not available in the literature. c.1311+1G>C has not been observed in referenced population frequency databases. In summary, NM_012144.2(DNAI1):c.1311+1G>C is a variant in a canonical splice site in a gene where loss of function is a known mechanism of disease and is predicted to disrupt protein function. Please note: this variant was assessed in the context of healthy population screening.

Labcorp Genetics (formerly Invitae), Labcorp
Classification: Likely pathogenic for Primary ciliary dyskinesia. Last evaluated: 2021-09-20. Review status: criteria provided, single submitter. Criteria: Invitae Variant Classification Sherloc (09022015). Collection method: clinical testing. Allele origin: germline.
Comment: This sequence change affects a donor splice site in intron 13 of the DNAI1 gene. It is expected to disrupt RNA splicing. Variants that disrupt the donor or acceptor splice site typically lead to a loss of protein function (PMID: 16199547), and loss-of-function variants in DNAI1 are known to be pathogenic (PMID: 16858015, 29363216). This variant is not present in population databases (ExAC no frequency). This variant has not been reported in the literature in individuals affected with DNAI1-related conditions. Algorithms developed to predict the effect of sequence changes on RNA splicing suggest that this variant may disrupt the consensus splice site. In summary, the currently available evidence indicates that the variant is pathogenic, but additional data are needed to prove that conclusively. Therefore, this variant has been classified as Likely Pathogenic.

Literature cited by the submitters: PubMed 16199547 (cited by Labcorp Genetics (formerly Invitae), Labcorp); PubMed 16858015 (cited by Labcorp Genetics (formerly Invitae), Labcorp); PubMed 29363216 (cited by Labcorp Genetics (formerly Invitae), Labcorp).